The following is an entry in ClinVar:

ClinVar aggregate classification (germline): Uncertain significance (1 of 4 stars; one submission).

Conditions:
Charcot-Marie-Tooth disease dominant intermediate B (CMTDIB). Also called: CHARCOT-MARIE-TOOTH NEUROPATHY, DOMINANT INTERMEDIATE B; Charcot-Marie-Tooth disease dominant intermediate 1; CMT DI1; Charcot-Marie-Tooth disease dominant intermediate I. Identifiers: Orphanet 100044, Orphanet 228179, MedGen C1847902, MONDO:0011674, OMIM 606482.

Allele frequency attached by ClinVar (database versions not stated): gnomAD exomes below 0.00001; TOPMed below 0.00001.
gnomAD v4.1: 7 of 1,613,740 alleles (0.00043%); highest among the groups gnomAD compares: Non-Finnish European, 0.00051%; no homozygotes.

Submission:

Labcorp Genetics (formerly Invitae), Labcorp
Classification: Uncertain significance for Charcot-Marie-Tooth disease dominant intermediate B. Last evaluated: 2024-03-07. Review status: criteria provided, single submitter. Criteria: Invitae Variant Classification Sherloc (09022015). Collection method: clinical testing. Allele origin: germline.
Comment: This sequence change replaces arginine, which is basic and polar, with glutamine, which is neutral and polar, at codon 719 of the DNM2 protein (p.Arg719Gln). This variant is present in population databases (no rsID available, gnomAD 0.0009%). This variant has not been reported in the literature in individuals affected with DNM2-related conditions. ClinVar contains an entry for this variant (Variation ID: 1947763). Advanced modeling of protein sequence and biophysical properties (such as structural, functional, and spatial information, amino acid conservation, physicochemical variation, residue mobility, and thermodynamic stability) has been performed at Invitae for this missense variant, however the output from this modeling did not meet the statistical confidence thresholds required to predict the impact of this variant on DNM2 protein function. In summary, the available evidence is currently insufficient to determine the role of this variant in disease. Therefore, it has been classified as a Variant of Uncertain Significance.

NM_001005361.3(DNM2):c.2156G>A (p.Arg719Gln)

Gene: DNM2 (dynamin 2; plus strand). Cytogenetic location: 19p13.2.
Variant type: single nucleotide variant.
Coding change: c.2156G>A on transcript NM_001005361.3 (MANE Select); coding-DNA position 2156, G replaced by A.
Protein change: p.Arg719Gln; replaces arginine 719 with glutamine.
Molecular consequence: missense variant.
Genome position (GRCh38, 1-based): chr19:10,829,133, G>A. VCF-style: chr19-10829133-G-A. GRCh37 (hg19) VCF-style: chr19-10939809-G-A.
Other names: c.2156G>A, p.Arg719Gln (NM_001005360.3, NM_001190716.2); c.2144G>A, p.Arg715Gln (NM_001005362.3, NM_004945.4); short protein forms R719Q, R715Q.
Identifiers: ClinVar variation 1947763 (VCV001947763.5), dbSNP rs1181350787, ClinGen allele CA404042846.
Genomic context (GRCh38, chr19:10,829,133, plus strand): 5'-TATACTCCTCGGCAGACCAGAGCAGCCTCATGGAGGAGTCGGCTGACCAGGCACAGCGGC[G>A]GGACGACATGCTGCGCATGTACCATGCCCTCAAGGAGGCGCTCAACATCATCGGTGACAT-3'
Protein context (NP_001005361.1, residues 709-729): MEESADQAQR[Arg719Gln]DDMLRMYHAL